The following is an entry in ClinVar:

ClinVar aggregate classification (germline): Pathogenic/Likely pathogenic. Review status: criteria provided, multiple submitters, no conflicts (2 of 4 stars). 7 submissions from 7 submitters: Pathogenic (3); Likely pathogenic (2). 2 of the submissions do not count toward it. Last evaluated 2026-02-09.

Conditions:
Hereditary breast ovarian cancer syndrome. Also called: Hereditary breast and ovarian cancer; Hereditary breast and ovarian cancer syndrome (HBOC); Hereditary breast and ovarian cancer syndrome; Breast and ovarian cancer; Hereditary breast and/or ovarian cancer syndrome; BRCA1- and BRCA2-Associated Hereditary Breast and Ovarian Cancer. Identifiers: Orphanet 145, MedGen C0677776, MeSH D061325, MONDO:0003582. Disease mechanism: loss of function.
Multiple myeloma (MM). Also called: Multiple myeloma, somatic; Plasma cell myeloma. Identifiers: Orphanet 29073, Orphanet 85443, MedGen C0026764, MeSH D009101, MONDO:0009693, OMIM 254500, HP:0006775.
Hereditary cancer-predisposing syndrome. Also called: Neoplastic Syndromes, Hereditary; Hereditary neoplastic syndrome; Tumor predisposition; Hereditary Cancer Syndrome. Identifiers: Orphanet 140162, MedGen C0027672, MeSH D009386, MONDO:0015356.
Breast-ovarian cancer, familial, susceptibility to, 2 (BROVCA2). Also called: BRCA2 Hereditary Breast and Ovarian Cancer. Identifiers: Orphanet 145, MedGen C2675520, MONDO:0012933, OMIM 612555. Disease mechanism: loss of function.

Submissions (7):

GeneDx
Classification: Pathogenic. Last evaluated: 2026-02-09. Review status: criteria provided, single submitter. Criteria: GeneDx Variant Classification Process June 2021. Collection method: clinical testing. Allele origin: germline.
Comment: Canonical splice site variant predicted to result in a null allele in a gene for which loss of function is a known mechanism of disease; Observed in an individual with a personal and family history consistent with pathogenic variants in this gene (PMID: 22666503); Not observed at significant frequency in large population cohorts (gnomAD); Also known as 704-1G>A; This variant is associated with the following publications: (PMID: 31131967, 23633455, 38865672, 22666503)

Ambry Genetics
Classification: Likely pathogenic for Hereditary cancer-predisposing syndrome. Last evaluated: 2025-09-05. Review status: criteria provided, single submitter. Criteria: Ambry Variant Classification Scheme 2023. Collection method: clinical testing. Allele origin: germline.
Comment: The c.476-1G>A intronic variant results from a G to A substitution one nucleotide upstream from coding exon 5 of the BRCA2 gene. This variant has been reported in one individual diagnosed with triple negative breast cancer who had a family history of breast and ovarian cancers (Meyer P et al. PLoS One, 2012 May;7:e38361). This nucleotide position is highly conserved in available vertebrate species. In silico splice site analysis predicts that this alteration will weaken the native splice acceptor site and may result in the creation or strengthening of a novel splice acceptor site; however direct evidence is insufficient (Ambry internal data). Alterations that disrupt the canonical splice site are expected to cause aberrant splicing, resulting in an abnormal protein or a transcript that is subject to nonsense-mediated mRNA decay. As such, this alteration is classified as likely pathogenic.

Labcorp Genetics (formerly Invitae), Labcorp
Classification: Pathogenic for Hereditary breast ovarian cancer syndrome. Last evaluated: 2025-07-27. Review status: criteria provided, single submitter. Criteria: Invitae Variant Classification Sherloc (09022015). Collection method: clinical testing. Allele origin: germline.
Comment: This sequence change affects an acceptor splice site in intron 5 of the BRCA2 gene. RNA analysis indicates that disruption of this splice site induces altered splicing and may result in an absent or altered protein product. This variant is not present in population databases (gnomAD no frequency). Disruption of this splice site has been observed in individual(s) with breast and/or ovarian cancer (PMID: 22666503, 33646313). ClinVar contains an entry for this variant (Variation ID: 37922). Based on a multifactorial likelihood algorithm using genetic, in silico, and/or statistical data, this variant has been determined to have a high probability of being pathogenic (PMID: 17924331, 21990134). Studies have shown that disruption of this splice site alters mRNA splicing and is expected to lead to the loss of protein expression (PMID: 30883759; internal data). For these reasons, this variant has been classified as Pathogenic.

Color Diagnostics, LLC DBA Color Health
Classification: Likely pathogenic for Hereditary cancer-predisposing syndrome. Last evaluated: 2022-03-01. Review status: criteria provided, single submitter. Criteria: ACMG Guidelines, 2015. Collection method: clinical testing. Allele origin: germline.
Comment: This variant causes a G to A nucleotide substitution at the -1 position of intron 5 of the BRCA2 gene. Splice site prediction tools predict that this variant may have a significant impact on RNA splicing. Although this prediction has not been confirmed in published RNA studies, this variant is expected to result in an absent or disrupted protein product. This variant has been reported in 1 individual with a family history of breast and ovarian cancer affected with triple negative breast cancer (PMID: 22666503). This variant has not been identified in the general population by the Genome Aggregation Database (gnomAD). Loss of BRCA2 function is a known mechanism of disease. Based on the available evidence, this variant is classified as Likely Pathogenic.

Institute of Human Genetics, University of Leipzig Medical Center
Classification: Pathogenic for Breast-ovarian cancer, familial, susceptibility to, 2. Last evaluated: 2021-03-08. Review status: criteria provided, single submitter. Criteria: ACMG Guidelines, 2015. Collection method: clinical testing. Allele origin: unknown. Affected: yes.

Biotechnology, Institute of Science, Nirma University
Classification: Likely pathogenic for Multiple myeloma. Last evaluated: 2024-03-07. Review status: no assertion criteria provided. Collection method: clinical testing. Allele origin: germline. Affected: yes. Observed: 1 variant allele, 1 heterozygote. Not counted in ClinVar's aggregate classification.
Comment: The nucleotide substitution has taken place one NTD upstream to the exon 5 that is the coding region. Since, the mutation has taken place at the intronic region no in-silico protein analysis was performed to check the effect of the mutation on the protein structure. The variant has been reported previously in triple negative breast cancer patient. Since, the alteration is taking place in the conserved region there is a possibility of weakened native splice acceptor site. The splice AI score 0.98 justifies the Likely pathogenic classification with a major effect on acceptor loss.

Sharing Clinical Reports Project (SCRP)
Classification: Pathogenic for Breast-ovarian cancer, familial 2. Last evaluated: 2009-07-22. Review status: no assertion criteria provided. Collection method: clinical testing. Allele origin: germline. Not counted in ClinVar's aggregate classification.

Literature cited by the submitters: PubMed 22666503 (cited by 4 submitters); PubMed 33646313 (cited by Labcorp Genetics (formerly Invitae), Labcorp); PubMed 17924331 (cited by Labcorp Genetics (formerly Invitae), Labcorp); PubMed 21990134 (cited by Labcorp Genetics (formerly Invitae), Labcorp); PubMed 30883759 (cited by Labcorp Genetics (formerly Invitae), Labcorp); PubMed 11904319 (cited by Biotechnology, Institute of Science, Nirma University).

NM_000059.4(BRCA2):c.476-1G>A

Gene: BRCA2 (BRCA2 DNA repair associated; plus strand). Cytogenetic location: 13q13.1.
Variant type: single nucleotide variant.
Coding change: c.476-1G>A on transcript NM_000059.4 (MANE Select); the canonical splice acceptor site of the intron before coding-DNA position 476, G replaced by A.
Molecular consequence: splice acceptor variant.
Genome position (GRCh38, 1-based): chr13:32,326,241, G>A. VCF-style: chr13-32326241-G-A. GRCh37 (hg19) VCF-style: chr13-32900378-G-A.
Other names: IVS5-1G>A; c.476-1G>A (NM_001406720.1, NM_001406719.1, NM_001406721.1); c.107-1G>A (NM_001406722.1).
Identifiers: ClinVar variation 37922 (VCV000037922.17), dbSNP rs397507340, ClinGen allele CA020789.